The following is an entry in ClinVar:

ClinVar aggregate classification (germline): Uncertain significance (1 of 4 stars; one submission).

Submission:

Labcorp Genetics (formerly Invitae), Labcorp
Classification: Uncertain significance. Last evaluated: 2025-08-17. Review status: criteria provided, single submitter. Criteria: Invitae Variant Classification Sherloc (09022015). Collection method: clinical testing. Allele origin: germline.
Comment: This sequence change replaces asparagine, which is neutral and polar, with lysine, which is basic and polar, at codon 842 of the SULF1 protein (p.Asn842Lys). This variant is not present in population databases (gnomAD no frequency). This variant has not been reported in the literature in individuals affected with SULF1-related conditions. An algorithm developed to predict the effect of missense changes on protein structure and function (PolyPhen-2) suggests that this variant is likely to be disruptive. In summary, the available evidence is currently insufficient to determine the role of this variant in disease. Therefore, it has been classified as a Variant of Uncertain Significance.

NM_001128205.2(SULF1):c.2526C>A (p.Asn842Lys)

Gene: SULF1 (sulfatase 1; plus strand). Cytogenetic location: 8q13.3.
Variant type: single nucleotide variant.
Coding change: c.2526C>A on transcript NM_001128205.2 (MANE Select); coding-DNA position 2526, C replaced by A.
Protein change: p.Asn842Lys; replaces asparagine 842 with lysine.
Molecular consequence: missense variant. On other transcripts: 3 prime UTR variant (2), non-coding transcript variant (7).
Genome position (GRCh38, 1-based): chr8:69,638,833, C>A. VCF-style: chr8-69638833-C-A. GRCh37 (hg19) VCF-style: chr8-70551068-C-A.
Other names: c.2526C>A, p.Asn842Lys (NM_001128204.2, NM_001128206.2, NM_001412828.1 and 7 more transcripts); c.2397C>A, p.Asn799Lys (NM_001412832.1, NM_001412838.1, NM_001412839.1 and 1 more transcripts); c.2469C>A, p.Asn823Lys (NM_001412836.1, NM_001412837.1); c.2340C>A, p.Asn780Lys (NM_001412841.1, NM_001412842.1); c.1926C>A, p.Asn642Lys (NM_001412844.1, NM_001412845.1); c.735C>A, p.Asn245Lys (NM_001412846.1); c.*10C>A (NM_001412850.1, NM_001412851.1); short protein forms N823K, N842K, N642K, N245K, N780K, N799K.
Identifiers: ClinVar variation 4724927 (VCV004724927.1).
Genomic context (GRCh38, chr8:69,638,833, plus strand): 5'-GAATCAGCTACACGTACAACTAATGGAGCTCAGAAGCTGTCAAGGATATAAGCAGTGCAA[C>A]CCAAGACCTAAGAATCTTGATGTTGGTAAGGAAAAAAATACTATTTTTTCTATTTTACCT-3'
Protein context (NP_001121677.1, residues 832-852): LRSCQGYKQC[Asn842Lys]PRPKNLDVGN